The following is an entry in ClinVar:

NM_005357.4(LIPE):c.298T>C (p.Tyr100His)

Genes: LIPE (lipase E, hormone sensitive type; minus strand), LIPE-AS1 (LIPE antisense RNA 1; plus strand). Cytogenetic location: 19q13.2.
Variant type: single nucleotide variant.
Coding change: c.298T>C on transcript NM_005357.4 (MANE Select); coding-DNA position 298, T replaced by C.
Protein change: p.Tyr100His; replaces tyrosine 100 with histidine.
Molecular consequence: missense variant.
Genome position (GRCh38, 1-based): chr19:42,426,852, A>G on the plus strand (T>C on the coding strand, the complement: LIPE is on the minus strand). VCF-style: chr19-42426852-A-G. GRCh37 (hg19) VCF-style: chr19-42931004-A-G.
Other names: short protein forms Y100H.
Identifiers: ClinVar variation 1243216 (VCV001243216.3), dbSNP rs16975750, ClinGen allele CA9477359.
Genomic context (GRCh38, chr19:42,426,852, plus strand): 5'-CTAGCCCAGGTCCCTGCTGGGAGGCAGCTTCCTGTTGAGTGAGCAGCACCCTTTGGATGT[A>G]AGGTGATTGCTGTGGTGCGGGCTTCTGTGGGGCAAGAAATTCCTCTTGTGAAGCAGATTT-3'
Protein context (NP_005348.2, residues 90-110): PQKPAPQQSP[Tyr100His]IQRVLLTQQE

ClinVar aggregate classification (germline): Benign. Review status: criteria provided, multiple submitters, no conflicts (2 of 4 stars). 2 submissions from 2 submitters: Benign (2). Last evaluated 2021-06-09.

Allele frequency attached by ClinVar (database versions not stated): gnomAD exomes 0.00731 and 0.01846; ExAC 0.02214; gnomAD 0.06649 and 0.07105; TOPMed 0.07667; ESP Exome Variant Server 0.07804; 1000 Genomes Project 0.07847; 1000 Genomes Project 30x 0.08260.
gnomAD v4.1: 21,407 of 1,614,018 alleles (1.3%); highest among the groups gnomAD compares: African/African-American, 23%; 2,066 homozygotes.

Submissions (2):

GeneDx
Classification: Benign. Last evaluated: 2021-06-09. Review status: criteria provided, single submitter. Criteria: GeneDx Variant Classification Process June 2021. Collection method: clinical testing. Allele origin: germline. Affected: yes.
Comment: This variant is associated with the following publications: (PMID: 24555826)

Breakthrough Genomics
Classification: Benign. Review status: criteria provided, single submitter. Criteria: ACMG Guidelines, 2015. Collection method: not provided. Allele origin: germline. Inheritance: Autosomal recessive inheritance. Affected: yes.